The following is an entry in ClinVar:

ClinVar aggregate classification (germline): Uncertain significance (1 of 4 stars; one submission).

Conditions:
Nemaline myopathy 9 (NEM9). Identifiers: MedGen C3810384, MONDO:0014326, OMIM 615731.

Allele frequency attached by ClinVar (database versions not stated): gnomAD exomes below 0.00001.
gnomAD v4.1: 2 of 1,613,792 alleles (0.00012%); highest among the groups gnomAD compares: East Asian, 0.0045%; no homozygotes.

Submission:

Labcorp Genetics (formerly Invitae), Labcorp
Classification: Uncertain significance for Nemaline myopathy 9. Last evaluated: 2022-07-19. Review status: criteria provided, single submitter. Criteria: Invitae Variant Classification Sherloc (09022015). Collection method: clinical testing. Allele origin: germline.
Comment: In summary, the available evidence is currently insufficient to determine the role of this variant in disease. Therefore, it has been classified as a Variant of Uncertain Significance. Algorithms developed to predict the effect of missense changes on protein structure and function are either unavailable or do not agree on the potential impact of this missense change (SIFT: "Deleterious"; PolyPhen-2: "Possibly Damaging"; Align-GVGD: "Class C0"). This variant has not been reported in the literature in individuals affected with KLHL41-related conditions. This variant is not present in population databases (gnomAD no frequency). This sequence change replaces alanine, which is neutral and non-polar, with proline, which is neutral and non-polar, at codon 510 of the KLHL41 protein (p.Ala510Pro).

NM_006063.3(KLHL41):c.1528G>C (p.Ala510Pro)

Gene: KLHL41 (kelch like family member 41; plus strand). Cytogenetic location: 2q31.1.
Variant type: single nucleotide variant.
Coding change: c.1528G>C on transcript NM_006063.3 (MANE Select); coding-DNA position 1528, G replaced by C.
Protein change: p.Ala510Pro; replaces alanine 510 with proline.
Molecular consequence: missense variant.
Genome position (GRCh38, 1-based): chr2:169,518,341, G>C. VCF-style: chr2-169518341-G-C. GRCh37 (hg19) VCF-style: chr2-170374851-G-C.
Other names: short protein forms A510P.
Identifiers: ClinVar variation 1719051 (VCV001719051.5), dbSNP rs2468059771, ClinGen allele CA349179239.